The following is an entry in ClinVar:

ClinVar aggregate classification (germline): Uncertain significance (1 of 4 stars; one submission).

Conditions:
Myofibrillar myopathy 5. Also called: Filaminopathy (type); FILAMINOPATHY, AUTOSOMAL DOMINANT. Identifiers: Orphanet 171445, MedGen C1836050, MONDO:0012289, OMIM 609524.
Distal myopathy with posterior leg and anterior hand involvement. Also called: WILLIAMS DISTAL MYOPATHY. Identifiers: Orphanet 63273, MedGen C3279722, MONDO:0013550, OMIM 614065.
Hypertrophic cardiomyopathy 26. Also called: Cardiomyopathy, familial hypertrophic, 26. Identifiers: Orphanet 75249, MedGen C4310749, MONDO:0014883, OMIM 617047.
Dilated Cardiomyopathy, Dominant.

Submission:

Labcorp Genetics (formerly Invitae), Labcorp
Classification: Uncertain significance for Distal myopathy with posterior leg and anterior hand involvement; Myofibrillar myopathy 5; Hypertrophic cardiomyopathy 26. Last evaluated: 2021-12-23. Review status: criteria provided, single submitter. Criteria: Invitae Variant Classification Sherloc (09022015). Collection method: clinical testing. Allele origin: germline.
Comment: In summary, the available evidence is currently insufficient to determine the role of this variant in disease. Therefore, it has been classified as a Variant of Uncertain Significance. This variant has not been reported in the literature in individuals affected with FLNC-related conditions. This variant results in a copy number gain of the genomic region encompassing exon(s) 1-14 of the FLNC gene. This region includes the initiator codon of the gene. This copy number gain extends beyond the assayed region for this gene and therefore may encompass additional genes. As the precise location of this event is unknown, it may be in tandem or it may be located elsewhere in the genome.

NC_000007.13:g.(?_128470692)_(128482448_?)dup

Gene: FLNC (filamin C; plus strand). Cytogenetic location: 7q32.1.
Variant type: Duplication.
Identifiers: ClinVar variation 2424177 (VCV002424177.5).